The following is an entry in ClinVar:

NM_001374736.1(DST):c.2701A>T (p.Thr901Ser)

Gene: DST (dystonin; minus strand). Cytogenetic location: 6p12.1.
Variant type: single nucleotide variant.
Coding change: c.2701A>T on transcript NM_001374736.1 (MANE Select); coding-DNA position 2701, A replaced by T.
Protein change: p.Thr901Ser; replaces threonine 901 with serine.
Molecular consequence: missense variant.
Genome position (GRCh38, 1-based): chr6:56,639,608, T>A on the plus strand (A>T on the coding strand, the complement: DST is on the minus strand). VCF-style: chr6-56639608-T-A. GRCh37 (hg19) VCF-style: chr6-56504406-T-A.
Other names: c.2602A>T, p.Thr868Ser (NM_001144769.5); c.2188A>T, p.Thr730Ser (NM_001144770.2); c.2701A>T, p.Thr901Ser (NM_001374722.1); c.2068A>T, p.Thr690Ser (NM_001374729.1, NM_001374730.1, NM_001386100.1 and 1 more transcripts); c.2728A>T, p.Thr910Ser (NM_001374734.1); c.1090A>T, p.Thr364Ser (NM_001723.7, NM_015548.5); short protein forms T364S, T690S, T730S, T868S, T901S, T910S.
Identifiers: ClinVar variation 3768610 (VCV003768610.1).

ClinVar aggregate classification (germline): Uncertain significance (1 of 4 stars; one submission).

gnomAD v4.1: 8 of 1,613,842 alleles (0.0005%); highest among the groups gnomAD compares: Non-Finnish European, 0.00059%; no homozygotes.

Submission:

Women's Health and Genetics/Laboratory Corporation of America, LabCorp
Classification: Uncertain significance. Last evaluated: 2025-02-11. Review status: criteria provided, single submitter. Criteria: LabCorp Variant Classification Summary - May 2015. Collection method: clinical testing. Allele origin: germline.
Comment: Variant summary: DST c.1090A>T (p.Thr364Ser) results in a conservative amino acid change in the encoded protein sequence. Five of five in-silico tools predict a benign effect of the variant on protein function. The variant was absent in 251080 control chromosomes. The available data on variant occurrences in the general population are insufficient to allow any conclusion about variant significance. To our knowledge, no occurrence of c.1090A>T in individuals affected with Epidermolysis bullosa simplex 3, localized or generalized intermediate, with BP230 deficiency and no experimental evidence demonstrating its impact on protein function have been reported. No submitters have cited clinical-significance assessments for this variant to ClinVar. Based on the evidence outlined above, the variant was classified as uncertain significance.